The following is an entry in ClinVar:

NM_000494.4(COL17A1):c.2702-192_2702-185del

Gene: COL17A1 (collagen type XVII alpha 1 chain; minus strand). Cytogenetic location: 10q25.1.
Variant type: Deletion.
Coding change: c.2702-192_2702-185del on transcript NM_000494.4 (MANE Select); 192 bases into the intron before coding-DNA position 2702 through 185 bases into the intron before coding-DNA position 2702, 8 bases deleted (CCTATCCA; older notation c.2702-192_2702-185delCCTATCCA).
Molecular consequence: intron variant.
Genome position (GRCh38, 1-based): chr10:104,040,595-104,040,602, TGGATAGG deleted on the plus strand (CCTATCCA on the coding strand, the reverse complement: COL17A1 is on the minus strand); deleting any 8 consecutive bases within chr10:104,040,595-104,040,607 gives the same sequence; the c. name uses the placement nearest the transcript's 3' end. VCF-style (leftmost placement, unchanged base first): chr10-104040594-ATGGATAGG-A. GRCh37 (hg19) VCF-style: chr10-105800352-ATGGATAGG-A.
Identifiers: ClinVar variation 4813927 (VCV004813927.1).

ClinVar aggregate classification (germline): Likely benign (1 of 4 stars; one submission).

Submission:

GeneDx
Classification: Likely benign. Last evaluated: 2021-05-20. Review status: criteria provided, single submitter. Criteria: GeneDx Variant Classification Process June 2021. Collection method: clinical testing. Allele origin: germline. Affected: yes.
Comment: See Variant Classification Assertion Criteria.